The following is an entry in ClinVar:

NM_004304.5(ALK):c.1379A>G (p.Asp460Gly)

Gene: ALK (ALK receptor tyrosine kinase; minus strand). Cytogenetic location: 2p23.2.
Variant type: single nucleotide variant.
Coding change: c.1379A>G on transcript NM_004304.5 (MANE Select); coding-DNA position 1379, A replaced by G.
Protein change: p.Asp460Gly; replaces aspartic acid 460 with glycine.
Molecular consequence: missense variant.
Genome position (GRCh38, 1-based): chr2:29,328,385, T>C on the plus strand (A>G on the coding strand, the complement: ALK is on the minus strand). VCF-style: chr2-29328385-T-C. GRCh37 (hg19) VCF-style: chr2-29551251-T-C.
Other names: short protein forms D460G.
Identifiers: ClinVar variation 645095 (VCV000645095.14), dbSNP rs149198543, ClinGen allele CA1594673.

ClinVar aggregate classification (germline): Uncertain significance. Review status: criteria provided, multiple submitters, no conflicts (2 of 4 stars). 3 submissions from 3 submitters: Uncertain significance (3). Last evaluated 2025-11-24.

Conditions:
Neuroblastoma, susceptibility to, 3. Also called: ALK-Related Neuroblastic Tumor Susceptibility. Identifiers: Orphanet 635, MedGen C2751681, MONDO:0013083, OMIM 613014.
Hereditary cancer-predisposing syndrome. Also called: Neoplastic Syndromes, Hereditary; Hereditary Cancer Syndrome; Hereditary neoplastic syndrome; Tumor predisposition. Identifiers: Orphanet 140162, MedGen C0027672, MeSH D009386, MONDO:0015356.

Allele frequency attached by ClinVar (database versions not stated): gnomAD exomes below 0.00001; ExAC 0.00001; gnomAD 0.00001; TOPMed 0.00002; ESP Exome Variant Server 0.00015.
gnomAD v4.1: 3 of 1,614,024 alleles (0.00019%); highest among the groups gnomAD compares: African/African-American, 0.0027%; no homozygotes.

Submissions (3):

Labcorp Genetics (formerly Invitae), Labcorp
Classification: Uncertain significance for Neuroblastoma, susceptibility to, 3. Last evaluated: 2025-11-24. Review status: criteria provided, single submitter. Criteria: Invitae Variant Classification Sherloc (09022015). Collection method: clinical testing. Allele origin: germline.
Comment: This sequence change replaces aspartic acid, which is acidic and polar, with glycine, which is neutral and non-polar, at codon 460 of the ALK protein (p.Asp460Gly). This variant is present in population databases (rs149198543, gnomAD 0.008%). This variant has not been reported in the literature in individuals affected with ALK-related conditions. ClinVar contains an entry for this variant (Variation ID: 645095). An algorithm developed to predict the effect of missense changes on protein structure and function (PolyPhen-2) suggests that this variant is likely to be tolerated. In summary, the available evidence is currently insufficient to determine the role of this variant in disease. Therefore, it has been classified as a Variant of Uncertain Significance.

Ambry Genetics
Classification: Uncertain significance for Hereditary cancer-predisposing syndrome. Last evaluated: 2025-01-15. Review status: criteria provided, single submitter. Criteria: Ambry Variant Classification Scheme 2023. Collection method: clinical testing. Allele origin: germline.
Comment: The p.D460G variant (also known as c.1379A>G), located in coding exon 6 of the ALK gene, results from an A to G substitution at nucleotide position 1379. The aspartic acid at codon 460 is replaced by glycine, an amino acid with similar properties. This amino acid position is highly conserved in available vertebrate species. In addition, this alteration is predicted to be deleterious by in silico analysis. Based on the available evidence, the clinical significance of this variant remains unclear.

Baylor Genetics
Classification: Uncertain significance for Neuroblastoma, susceptibility to, 3. Last evaluated: 2023-07-14. Review status: criteria provided, single submitter. Criteria: ACMG Guidelines, 2015. Collection method: clinical testing. Allele origin: unknown.